The following is an entry in ClinVar:

ClinVar aggregate classification (germline): Conflicting classifications of pathogenicity. Review status: criteria provided, conflicting classifications (1 of 4 stars). 5 submissions from 5 submitters: Pathogenic (1); Uncertain significance (4). Last evaluated 2024-03-26.

Conditions:
Neurofibromatosis, type 2 (SWNV). Also called: BILATERAL ACOUSTIC NEUROFIBROMATOSIS; SCHWANNOMATOSIS, VESTIBULAR; NF2-Related Schwannomatosis. Identifiers: Orphanet 637, MedGen C0027832, MONDO:0007039, OMIM 101000. Disease mechanism: loss of function.

Allele frequency attached by ClinVar (database versions not stated): gnomAD exomes below 0.00001; TOPMed below 0.00001.

Submissions (5):

Genomic Medicine Center of Excellence, King Faisal Specialist Hospital and Research Centre
Classification: Pathogenic for Neurofibromatosis, type 2. Last evaluated: 2024-03-26. Review status: criteria provided, single submitter. Criteria: ACMG Guidelines, 2015. Collection method: clinical testing. Allele origin: germline.

All of Us Research Program, National Institutes of Health
Classification: Uncertain significance for Neurofibromatosis, type 2. Last evaluated: 2023-06-26. Review status: criteria provided, single submitter. Criteria: ACMG Guidelines, 2015. Collection method: clinical testing. Allele origin: germline. Inheritance: Autosomal dominant inheritance. Observed: 1 variant allele, 1 heterozygote.
Comment: This variant results in the loss of the translation initiator methionine at codon 1 of the NF2 protein. The NF2 gene encodes for a methionine codon 9 before known functional domains (PMID: 25893302) and a second methionine at codon 29. To our knowledge, functional studies have not been reported for this variant. This variant has not been reported in individuals affected with hereditary cancer in the literature. This variant has not been identified in the general population by the Genome Aggregation Database (gnomAD). The available evidence is insufficient to determine the role of this variant in disease conclusively. Therefore, this variant is classified as a Variant of Uncertain Significance.

This study involves interpretation of variants in research participants for the purpose of population health screening. Participant phenotype was not available at the time of variant classification. Additional details can be found in publication PMID: 35346344, PMCID: PMC8962531

Labcorp Genetics (formerly Invitae), Labcorp
Classification: Uncertain significance for Neurofibromatosis, type 2. Last evaluated: 2022-02-11. Review status: criteria provided, single submitter. Criteria: Invitae Variant Classification Sherloc (09022015). Collection method: clinical testing. Allele origin: germline.
Comment: This sequence change affects the initiator methionine of the NF2 mRNA. The next in-frame methionine is located at codon 9. This variant is not present in population databases (gnomAD no frequency). This variant has not been reported in the literature in individuals affected with NF2-related conditions. ClinVar contains an entry for this variant (Variation ID: 956856). Experimental studies and prediction algorithms are not available or were not evaluated, and the functional significance of this variant is currently unknown. In summary, the available evidence is currently insufficient to determine the role of this variant in disease. Therefore, it has been classified as a Variant of Uncertain Significance.

Genome-Nilou Lab
Classification: Uncertain significance for Neurofibromatosis, type 2. Last evaluated: 2021-11-07. Review status: criteria provided, single submitter. Criteria: ACMG Guidelines, 2015. Collection method: clinical testing. Allele origin: germline. Affected: no.

GeneDx
Classification: Uncertain significance. Last evaluated: 2019-04-25. Review status: criteria provided, single submitter. Criteria: GeneDx Variant Classification Process June 2021. Collection method: clinical testing. Allele origin: germline. Affected: yes.
Comment: Not observed in large population cohorts (Lek et al., 2016); Has not been previously published as pathogenic or benign to our knowledge; This variant is associated with the following publications: (PMID: 31130284)

Literature cited by the submitters: PubMed 25893302 (cited by All of Us Research Program, National Institutes of Health).

NM_000268.4(NF2):c.1A>G (p.Met1Val)

Gene: NF2 (NF2, moesin-ezrin-radixin like (MERLIN) tumor suppressor; plus strand). Cytogenetic location: 22q12.2.
Variant type: single nucleotide variant.
Coding change: c.1A>G on transcript NM_000268.4 (MANE Select); coding-DNA position 1, A replaced by G.
Protein change: p.Met1Val; changes the start codon (methionine 1).
Molecular consequence: missense variant, initiator codon variant. On other transcripts: non-coding transcript variant (1).
Genome position (GRCh38, 1-based): chr22:29,603,999, A>G. VCF-style: chr22-29603999-A-G. GRCh37 (hg19) VCF-style: chr22-29999988-A-G.
Other names: c.1A>G, p.Met1Val (NM_016418.5, NM_181825.3, NM_181828.3 and 5 more transcripts); short protein forms M1V.
Identifiers: ClinVar variation 956856 (VCV000956856.13), dbSNP rs1319282473, ClinGen allele CA411145658.